The following is an entry in ClinVar:

NM_000255.4(MMUT):c.689C>G (p.Thr230Arg)

Gene: MMUT (methylmalonyl-CoA mutase; minus strand). Cytogenetic location: 6p12.3.
Variant type: single nucleotide variant.
Coding change: c.689C>G on transcript NM_000255.4 (MANE Select); coding-DNA position 689, C replaced by G.
Protein change: p.Thr230Arg; replaces threonine 230 with arginine.
Molecular consequence: missense variant.
Genome position (GRCh38, 1-based): chr6:49,457,755, G>C on the plus strand (C>G on the coding strand, the complement: MMUT is on the minus strand). VCF-style: chr6-49457755-G-C. GRCh37 (hg19) VCF-style: chr6-49425468-G-C.
Other names: short protein forms T230R.
Identifiers: ClinVar variation 222918 (VCV000222918.9), dbSNP rs879253833, ClinGen allele CA10575878.
Genomic context (GRCh38, chr6:49,457,755, plus strand): 5'-GCTGTATATTCAAATATGTCAGCAATAATTTTCATGGATGGTTCTGGAGGAAAAATGTAT[G>C]TATTTCGAACCATAAATTCCTTTAGTATATCATTTTGGATGGTACCAGTAAGCTTCTCTT-3'
Protein context (NP_000246.2, residues 220-240): DILKEFMVRN[Thr230Arg]YIFPPEPSMK

ClinVar aggregate classification (germline): Pathogenic/Likely pathogenic. Review status: criteria provided, multiple submitters, no conflicts (2 of 4 stars). 6 submissions from 6 submitters: Pathogenic (3); Likely pathogenic (3). Last evaluated 2026-04-16.

Conditions:
Methylmalonic aciduria due to complete methylmalonyl-CoA mutase deficiency.
Methylmalonic acidemia (MMA). Also called: Isolated Methylmalonic Acidemia. Identifiers: MedGen C0268583, MeSH C537358, MONDO:0002012, HP:0002912.
Methylmalonic aciduria due to methylmalonyl-CoA mutase deficiency (MAMM). Also called: Methylmalonic aciduria, mut type. Identifiers: Orphanet 27, MedGen C1855114, MONDO:0009612, OMIM 251000.

Allele frequency attached by ClinVar (database versions not stated): gnomAD exomes below 0.00001.
gnomAD v4.1: 2 of 1,611,556 alleles (0.00012%); highest among the groups gnomAD compares: South Asian, 0.0022%; no homozygotes.

Submissions (6):

Women's Health and Genetics/Laboratory Corporation of America, LabCorp
Classification: Pathogenic for Methylmalonic acidemia. Last evaluated: 2026-04-16. Review status: criteria provided, single submitter. Criteria: LabCorp Variant Classification Summary - May 2015. Collection method: clinical testing. Allele origin: germline.
Comment: Variant summary: MMUT c.689C>G (p.Thr230Arg) results in a non-conservative amino acid change in the encoded protein sequence. Algorithms developed to predict the effect of missense changes on protein structure and function all suggest that this variant is likely to be disruptive. The variant allele was found at a frequency of 1.2e-06 in 1611556 control chromosomes (gnomAD v4). c.689C>G has been observed in multiple individuals affected with Methylmalonic Acidemia (Forny_2016, Hrster_2021, Forny_2023). These data indicate that the variant is very likely to be associated with disease. To our knowledge, no experimental evidence demonstrating an impact on protein function has been reported. The following publications have been ascertained in the context of this evaluation (PMID: 27167370, 36717752, 32754920). ClinVar contains an entry for this variant (Variation ID: 222918). Based on the evidence outlined above, the variant was classified as pathogenic.

Natera, Inc.
Classification: Likely pathogenic for Methylmalonic aciduria due to complete methylmalonyl-CoA mutase deficiency. Last evaluated: 2024-07-17. Review status: criteria provided, single submitter. Criteria: Natera Variant Classification Schema (03/2026). Collection method: clinical testing. Allele origin: germline.
Comment: The c.689C>G variant in MMUT is a missense variant predicted to cause substitution of threonine to arginine at amino acid 230. This variant is rare in the general population with a frequency below the threshold expected for the associated phenotype(s). This variant has been observed in one or more individuals affected with the associated recessive disease, as either homozygous or compound heterozygous with a second variant (PMID: 27167370). A different variant at the same position has been determined to be Pathogenic or Likely Pathogenic. Computational prediction algorithms indicate this variant is likely to affect gene or protein function. Given the available evidence, this variant is classified as Likely Pathogenic.

GeneDx
Classification: Likely pathogenic. Last evaluated: 2022-08-04. Review status: criteria provided, single submitter. Criteria: GeneDx Variant Classification Process June 2021. Collection method: clinical testing. Allele origin: germline. Affected: yes.
Comment: Not observed at significant frequency in large population cohorts (gnomAD); In silico analysis supports that this missense variant has a deleterious effect on protein structure/function; This variant is associated with the following publications: (PMID: 25736335, 29034175, 27167370, 32754920)

3billion
Classification: Pathogenic for Methylmalonic aciduria due to methylmalonyl-CoA mutase deficiency. Last evaluated: 2022-01-03. Review status: criteria provided, single submitter. Criteria: ACMG Guidelines, 2015. Collection method: clinical testing. Allele origin: germline. Affected: yes. Observed: 1 homozygote.
Comment: Same nucleotide change resulting in same amino acid change has been previously reported to be associated with MMUT related disorder (ClinVar ID: VCV000222918, PMID:27167370). Functional studies provide strong evidence of the variant having a damaging effect on the gene or gene product (PMID: 27167370, PS3_S). A different missense change at the same codon has been reported to be associated with MMUT related disorder (PMID:15781199, PM5_P). In silico tool predictions suggest damaging effect of the variant on gene or gene product (REVEL: 0.942, 3CNET: 0.881, PP3_P). It is not observed in the gnomAD v2.1.1 dataset (PM2_M). Therefore, this variant is classified as pathogenic according to the recommendation of ACMG/AMP guideline.

Juno Genomics, Hangzhou Juno Genomics, Inc
Classification: Likely pathogenic for Methylmalonic aciduria due to methylmalonyl-CoA mutase deficiency. Review status: criteria provided, single submitter. Criteria: ACMG Guidelines, 2015. Collection method: clinical testing. Allele origin: germline.
Comment: Absent from controls (or at extremely low frequency if recessive) in Genome Aggregation Database.;Multiple lines of computational evidence support a deleterious effect on the gene or gene product.;For recessive disorders, detected in trans with a pathogenic variant.

University Children's Hospital, University of Zurich
Classification: Pathogenic for Methylmalonic aciduria due to methylmalonyl-CoA mutase deficiency. Review status: criteria provided, single submitter. Criteria: Forny et al. (Hum Mutat. 2016). Collection method: clinical testing. Allele origin: germline. Inheritance: Autosomal recessive inheritance. Affected: yes.

Literature cited by the submitters: PubMed 27167370 (cited by 3 submitters); PubMed 32754920 (cited by Women's Health and Genetics/Laboratory Corporation of America, LabCorp); PubMed 36717752 (cited by Women's Health and Genetics/Laboratory Corporation of America, LabCorp); PubMed 15781199 (cited by 3billion); PubMed 25736335 (cited by University Children's Hospital, University of Zurich).